The following is an entry in ClinVar:

NM_001194998.2(CEP152):c.1563dup (p.Ser522fs)

Gene: CEP152 (centrosomal protein 152; minus strand). Cytogenetic location: 15q21.1.
Variant type: Duplication.
Coding change: c.1563dup on transcript NM_001194998.2 (MANE Select); coding-DNA position 1563, one base duplicated (A; older notation c.1563dupA).
Protein change: p.Ser522fs; shifts the reading frame from serine 522.
Molecular consequence: frameshift variant.
Genome position (GRCh38, 1-based): chr15:48,781,210, T duplicated on the plus strand (A on the coding strand, the reverse complement: CEP152 is on the minus strand); the first of 6 consecutive T bases (chr15:48,781,210-48,781,215); duplicating any one gives the same sequence. VCF-style (leftmost placement, unchanged base first): chr15-48781209-A-AT. GRCh37 (hg19) VCF-style: chr15-49073406-A-AT.
Other names: c.1563dup, p.Ser522fs (NM_014985.4); short protein forms S522fs.
Identifiers: ClinVar variation 2779039 (VCV002779039.3), dbSNP rs778933589, ClinGen allele CA7548812.

ClinVar aggregate classification (germline): Pathogenic (1 of 4 stars; one submission).

Submission:

Labcorp Genetics (formerly Invitae), Labcorp
Classification: Pathogenic. Last evaluated: 2023-11-27. Review status: criteria provided, single submitter. Criteria: Invitae Variant Classification Sherloc (09022015). Collection method: clinical testing. Allele origin: germline.
Comment: This sequence change creates a premature translational stop signal (p.Ser522Ilefs*14) in the CEP152 gene. It is expected to result in an absent or disrupted protein product. Loss-of-function variants in CEP152 are known to be pathogenic (PMID: 21131973). This variant is present in population databases (rs778933589, gnomAD 0.01%). This variant has not been reported in the literature in individuals affected with CEP152-related conditions. For these reasons, this variant has been classified as Pathogenic.

Literature cited by the submitters: PubMed 21131973.